The following is an entry in ClinVar:

ClinVar aggregate classification (germline): Uncertain significance (1 of 4 stars; one submission).

gnomAD v4.1: 1 of 1,612,510 alleles (0.000062%); highest among the groups gnomAD compares: Non-Finnish European, 0.000085%; no homozygotes.

Submission:

Labcorp Genetics (formerly Invitae), Labcorp
Classification: Uncertain significance. Last evaluated: 2025-03-26. Review status: criteria provided, single submitter. Criteria: Invitae Variant Classification Sherloc (09022015). Collection method: clinical testing. Allele origin: germline.
Comment: This sequence change replaces asparagine, which is neutral and polar, with lysine, which is basic and polar, at codon 16 of the UROD protein (p.Asn16Lys). This variant is not present in population databases (gnomAD no frequency). This variant has not been reported in the literature in individuals affected with UROD-related conditions. Invitae Evidence Modeling of protein sequence and biophysical properties (such as structural, functional, and spatial information, amino acid conservation, physicochemical variation, residue mobility, and thermodynamic stability) indicates that this missense variant is not expected to disrupt UROD protein function with a negative predictive value of 80%. In summary, the available evidence is currently insufficient to determine the role of this variant in disease. Therefore, it has been classified as a Variant of Uncertain Significance.

NM_000374.5(UROD):c.48T>A (p.Asn16Lys)

Gene: UROD (uroporphyrinogen decarboxylase; plus strand). Cytogenetic location: 1p34.1.
Variant type: single nucleotide variant.
Coding change: c.48T>A on transcript NM_000374.5 (MANE Select); coding-DNA position 48, T replaced by A.
Protein change: p.Asn16Lys; replaces asparagine 16 with lysine.
Molecular consequence: missense variant. On other transcripts: non-coding transcript variant (3).
Genome position (GRCh38, 1-based): chr1:45,012,934, T>A. VCF-style: chr1-45012934-T-A. GRCh37 (hg19) VCF-style: chr1-45478606-T-A.
Other names: short protein forms N16K.
Identifiers: ClinVar variation 4743416 (VCV004743416.1).